The following is an entry in ClinVar:

NM_005591.4(MRE11):c.1516G>A (p.Glu506Lys)

Gene: MRE11 (MRE11 double strand break repair nuclease; minus strand). Cytogenetic location: 11q21.
Variant type: single nucleotide variant.
Coding change: c.1516G>A on transcript NM_005591.4 (MANE Select); coding-DNA position 1516, G replaced by A.
Protein change: p.Glu506Lys; replaces glutamic acid 506 with lysine.
Molecular consequence: missense variant.
Genome position (GRCh38, 1-based): chr11:94,456,323, C>T on the plus strand (G>A on the coding strand, the complement: MRE11 is on the minus strand). VCF-style: chr11-94456323-C-T. GRCh37 (hg19) VCF-style: chr11-94189489-C-T.
Other names: c.1516G>A, p.Glu506Lys (NM_001330347.2, NM_005590.4); short protein forms E506K.
Identifiers: ClinVar variation 186164 (VCV000186164.6), dbSNP rs587781384, ClinGen allele CA194035.
Genomic context (GRCh38, chr11:94,456,323, plus strand): 5'-GCAGAATAATTACCTCACGGACTTCATCATCTTCTTCATTAGTATTTTTTTGTCTGGTTT[C>T]TCTGAAACGACGTACCTAGATCATAACAGAGTAAATCACAAACATGTTGCCTATTCCAGT-3'
Protein context (NP_005582.1, residues 496-516): KIDEEVRRFR[Glu506Lys]TRQKNTNEED

ClinVar aggregate classification (germline): Uncertain significance. Review status: criteria provided, multiple submitters, no conflicts (2 of 4 stars). 2 submissions from 2 submitters: Uncertain significance (2). Last evaluated 2023-11-30.

Conditions:
Hereditary cancer-predisposing syndrome. Also called: Hereditary neoplastic syndrome; Neoplastic Syndromes, Hereditary; Tumor predisposition; Hereditary Cancer Syndrome. Identifiers: Orphanet 140162, MedGen C0027672, MeSH D009386, MONDO:0015356.
Ataxia-telangiectasia-like disorder 1 (ATLD1). Identifiers: Orphanet 251347, MedGen C4012790, MONDO:0024557, OMIM 604391.

Submissions (2):

Ambry Genetics
Classification: Uncertain significance for Hereditary cancer-predisposing syndrome. Last evaluated: 2023-11-30. Review status: criteria provided, single submitter. Criteria: Ambry Variant Classification Scheme 2023. Collection method: clinical testing. Allele origin: germline.
Comment: The p.E506K variant (also known as c.1516G>A), located in coding exon 13 of the MRE11A gene, results from a G to A substitution at nucleotide position 1516. The glutamic acid at codon 506 is replaced by lysine, an amino acid with similar properties. This amino acid position is well conserved in available vertebrate species. In addition, the in silico prediction for this alteration is inconclusive. Since supporting evidence is limited at this time, the clinical significance of this alteration remains unclear.

Baylor Genetics
Classification: Uncertain significance for Ataxia-telangiectasia-like disorder 1. Last evaluated: 2023-09-08. Review status: criteria provided, single submitter. Criteria: ACMG Guidelines, 2015. Collection method: clinical testing. Allele origin: unknown.